The following is an entry in ClinVar:

NM_144585.4(SLC22A12):c.615G>A (p.Leu205=)

Gene: SLC22A12 (solute carrier family 22 member 12; plus strand). Cytogenetic location: 11q13.1.
Variant type: single nucleotide variant.
Coding change: c.615G>A on transcript NM_144585.4 (MANE Select); coding-DNA position 615, G replaced by A.
Protein change: p.Leu205=; no amino-acid change (leucine 205 retained).
Molecular consequence: synonymous variant. On other transcripts: intron variant (3).
Genome position (GRCh38, 1-based): chr11:64,593,513, G>A. VCF-style: chr11-64593513-G-A. GRCh37 (hg19) VCF-style: chr11-64360985-G-A.
Other names: c.559+56G>A (NM_001276326.2); c.506+631G>A (NM_001276327.2); c.-2-122G>A (NM_153378.3).
Identifiers: ClinVar variation 727788 (VCV000727788.14), dbSNP rs71581772, ClinGen allele CA6077127.

ClinVar aggregate classification (germline): Benign/Likely benign. Review status: criteria provided, multiple submitters, no conflicts (2 of 4 stars). 4 submissions from 4 submitters: Benign (1); Likely benign (3). Last evaluated 2025-07-06.

Conditions:
Dalmatian hypouricemia (RHUC1). Identifiers: MedGen C0473219, MONDO:0020728, OMIM 220150.

Allele frequency attached by ClinVar (database versions not stated): gnomAD 0.00009 and 0.00033; ESP Exome Variant Server 0.00015; TOPMed 0.00015; gnomAD exomes 0.00057 and 0.00107; ExAC 0.00133; 1000 Genomes Project 30x 0.00312; 1000 Genomes Project 0.00379.
gnomAD v4.1: 872 of 1,614,178 alleles (0.054%); highest among the groups gnomAD compares: South Asian, 0.79%; 15 homozygotes.

Submissions (4):

Labcorp Genetics (formerly Invitae), Labcorp
Classification: Benign. Last evaluated: 2025-07-06. Review status: criteria provided, single submitter. Criteria: Invitae Variant Classification Sherloc (09022015). Collection method: clinical testing. Allele origin: germline.

Blueprint Genetics
Classification: Likely benign. Last evaluated: 2024-08-30. Review status: criteria provided, single submitter. Criteria: ACMG Guidelines, 2015. Collection method: clinical testing. Allele origin: germline.

Fulgent Genetics
Classification: Likely benign for Dalmatian hypouricemia. Last evaluated: 2022-04-12. Review status: criteria provided, single submitter. Criteria: ACMG Guidelines, 2015. Collection method: clinical testing. Allele origin: unknown.

Illumina Laboratory Services, Illumina
Classification: Likely benign for Dalmatian hypouricemia. Last evaluated: 2018-01-12. Review status: criteria provided, single submitter. Criteria: ICSL Variant Classification Criteria 13 December 2019. Collection method: clinical testing. Allele origin: germline.
Comment: This variant was observed in the ICSL laboratory as part of a predisposition screen in an ostensibly healthy population. It had not been previously curated by ICSL or reported in the Human Gene Mutation Database (HGMD: prior to June 1st, 2018), and was therefore a candidate for classification through an automated scoring system. Utilizing variant allele frequency, disease prevalence and penetrance estimates, and inheritance mode, an automated score was calculated to assess if this variant is too frequent to cause the disease. Based on the score and internal cut-off values, a variant classified as likely benign is not then subjected to further curation. The score for this variant resulted in a classification of likely benign for this disease.